The following is an entry in ClinVar:

NM_016239.4(MYO15A):c.3659G>A (p.Gly1220Glu)

Gene: MYO15A (myosin XVA; plus strand). Cytogenetic location: 17p11.2.
Variant type: single nucleotide variant.
Coding change: c.3659G>A on transcript NM_016239.4 (MANE Select); coding-DNA position 3659, G replaced by A.
Protein change: p.Gly1220Glu; replaces glycine 1220 with glutamic acid.
Molecular consequence: missense variant.
Genome position (GRCh38, 1-based): chr17:18,124,532, G>A. VCF-style: chr17-18124532-G-A. GRCh37 (hg19) VCF-style: chr17-18027846-G-A.
Other names: short protein forms G1220E.
Identifiers: ClinVar variation 227639 (VCV000227639.35), dbSNP rs201689819, ClinGen allele CA8423529.

ClinVar aggregate classification (germline): Conflicting classifications of pathogenicity. Review status: criteria provided, conflicting classifications (1 of 4 stars). 10 submissions from 10 submitters: Uncertain significance (4); Likely benign (4). 2 of the submissions do not count toward it. Last evaluated 2026-01-29.

Conditions:
Autosomal recessive nonsyndromic hearing loss 3. Also called: NEUROSENSORY NONSYNDROMIC RECESSIVE DEAFNESS 3. Identifiers: Orphanet 90636, MedGen C1838263, MONDO:0010860, OMIM 600316.
MYO15A-related disorder. Also called: MYO15A-related condition.

Allele frequency attached by ClinVar (database versions not stated): 1000 Genomes Project 30x 0.00016; TOPMed 0.00029; gnomAD 0.00035 and 0.00036; ExAC 0.00042; gnomAD exomes 0.00048; ESP Exome Variant Server 0.00078.
gnomAD v4.1: 1,165 of 1,613,250 alleles (0.072%); highest among the groups gnomAD compares: Non-Finnish European, 0.088%; 2 homozygotes.

Submissions (10):

Labcorp Genetics (formerly Invitae), Labcorp
Classification: Likely benign. Last evaluated: 2026-01-29. Review status: criteria provided, single submitter. Criteria: Invitae Variant Classification Sherloc (09022015). Collection method: clinical testing. Allele origin: germline.

Blueprint Genetics
Classification: Likely benign. Last evaluated: 2024-09-03. Review status: criteria provided, single submitter. Criteria: ACMG Guidelines, 2015. Collection method: clinical testing. Allele origin: germline.

ARUP Laboratories, Molecular Genetics and Genomics, ARUP Laboratories
Classification: Uncertain significance for Autosomal recessive nonsyndromic hearing loss 3. Last evaluated: 2023-08-15. Review status: criteria provided, single submitter. Criteria: ARUP Molecular Germline Variant Investigation Process 2024. Collection method: clinical testing. Allele origin: germline.

GeneDx
Classification: Likely benign. Last evaluated: 2020-01-13. Review status: criteria provided, single submitter. Criteria: GeneDx Variant Classification Process June 2021. Collection method: clinical testing. Allele origin: germline. Affected: yes.

Athena Diagnostics
Classification: Uncertain significance. Last evaluated: 2019-04-16. Review status: criteria provided, single submitter. Criteria: Athena Diagnostics Criteria. Collection method: clinical testing. Allele origin: germline.

Eurofins Ntd Llc (ga)
Classification: Uncertain significance. Last evaluated: 2018-06-19. Review status: criteria provided, single submitter. Criteria: EGL ClinVar v180209 classification definitions. Collection method: clinical testing. Allele origin: germline. Observed: 1 variant allele, 1 heterozygote.

Illumina Laboratory Services, Illumina
Classification: Uncertain significance for Autosomal recessive nonsyndromic hearing loss 3. Last evaluated: 2018-01-12. Review status: criteria provided, single submitter. Criteria: ICSL Variant Classification Criteria 13 December 2019. Collection method: clinical testing. Allele origin: germline.

Laboratory for Molecular Medicine, Mass General Brigham Personalized Medicine
Classification: Likely benign. Last evaluated: 2015-05-14. Review status: criteria provided, single submitter. Criteria: LMM Criteria. Collection method: clinical testing. Allele origin: germline. Observed: 1 variant allele.
Comment: p.Gly1220Glu in exon 3 of MYO15A: This variant is not expected to have clinical significance due to a lack of conservation across species, including mammals. Of note, 3 mammals have a glutamic acid (Glu) at this position despite high nearby amino acid conservation. In addition, computational prediction tools do not sug gest a high likelihood of impact to the protein. It has also been identified in 0.2% (11/6112) of Finnish chromosomes by the Exome Aggregation Consortium (ExAC; dbSNP rs201689819).

PreventionGenetics, part of Exact Sciences
Classification: Likely benign for MYO15A-related condition. Last evaluated: 2023-02-24. Review status: no assertion criteria provided. Collection method: clinical testing. Allele origin: germline. Not counted in ClinVar's aggregate classification.
Comment: This variant is classified as likely benign based on ACMG/AMP sequence variant interpretation guidelines (Richards et al. 2015 PMID: 25741868, with internal and published modifications).

Department of Pathology and Laboratory Medicine, Sinai Health System
Classification: Uncertain significance. Review status: no assertion criteria provided. Collection method: clinical testing. Allele origin: unknown. Affected: yes. Study: The Canadian Open Genetics Repository (COGR). Not counted in ClinVar's aggregate classification.
Comment: The MYO15A p.Gly1220Glu variant was not identified in the literature but was identified in dbSNP (ID: rs201689819), LOVD 3.0, ClinVar (classified as uncertain significance by Illumina, EGL Genetic Diagnostics, ARUP Laboratories and Athena Diagnotics, and as likely benign by Laboratory for Molecular Medicine). The variant was identified in control databases in 132 of 279120 chromosomes (1 homozygous) at a frequency of 0.0004729 increasing the likelihood this could be a low frequency benign variant (Genome Aggregation Database March 6, 2019, v2.1.1). The variant was observed in the following populations: European (Finnish) in 47 of 24150 chromosomes (freq: 0.001946), European (non-Finnish) in 77 of 127988 chromosomes (freq: 0.000602), Other in 3 of 7122 chromosomes (freq: 0.000421), African in 4 of 24108 chromosomes (freq: 0.000166) and Latino in 1 of 35332 chromosomes (freq: 0.000028), but was not observed in the Ashkenazi Jewish, East Asian, or South Asian populations. The p.Gly1220 residue is not conserved in mammals and four out of five computational analyses (PolyPhen-2, SIFT, AlignGVGD, BLOSUM, MutationTaster) do not suggest a high likelihood of impact to the protein; however, this information is not predictive enough to rule out pathogenicity. The variant occurs outside of the splicing consensus sequence and in silico or computational prediction software programs (SpliceSiteFinder, MaxEntScan, NNSPLICE, GeneSplicer) do not predict a difference in splicing. In summary, based on the above information the clinical significance of this variant cannot be determined with certainty at this time. This variant is classified as a variant of uncertain significance.